The following is an entry in ClinVar:

NM_031935.3(HMCN1):c.7910A>G (p.Gln2637Arg)

Gene: HMCN1 (hemicentin 1; plus strand). Cytogenetic location: 1q31.1.
Variant type: single nucleotide variant.
Coding change: c.7910A>G on transcript NM_031935.3 (MANE Select); coding-DNA position 7910, A replaced by G.
Protein change: p.Gln2637Arg; replaces glutamine 2637 with arginine.
Molecular consequence: missense variant.
Genome position (GRCh38, 1-based): chr1:186,069,693, A>G. VCF-style: chr1-186069693-A-G. GRCh37 (hg19) VCF-style: chr1-186038825-A-G.
Other names: c.7910A>G (NM_031935.2); short protein forms Q2637R.
Identifiers: ClinVar variation 2803424 (VCV002803424.4), dbSNP rs760728428, ClinGen allele CA1292981.

ClinVar aggregate classification (germline): Uncertain significance. Review status: criteria provided, multiple submitters, no conflicts (2 of 4 stars). 2 submissions from 2 submitters: Uncertain significance (2). Last evaluated 2024-07-02.

gnomAD v4.1: 4 of 1,613,060 alleles (0.00025%); highest among the groups gnomAD compares: African/African-American, 0.0053%; no homozygotes.

Submissions (2):

Ambry Genetics
Classification: Uncertain significance. Last evaluated: 2024-07-02. Review status: criteria provided, single submitter. Criteria: Ambry Variant Classification Scheme 2023. Collection method: clinical testing. Allele origin: germline.

Labcorp Genetics (formerly Invitae), Labcorp
Classification: Uncertain significance. Last evaluated: 2023-05-11. Review status: criteria provided, single submitter. Criteria: Invitae Variant Classification Sherloc (09022015). Collection method: clinical testing. Allele origin: germline.
Comment: This variant has not been reported in the literature in individuals affected with HMCN1-related conditions. Algorithms developed to predict the effect of missense changes on protein structure and function output the following: SIFT: "Not Available"; PolyPhen-2: "Probably Damaging"; Align-GVGD: "Not Available". The arginine amino acid residue is found in multiple mammalian species, which suggests that this missense change does not adversely affect protein function. In summary, the available evidence is currently insufficient to determine the role of this variant in disease. Therefore, it has been classified as a Variant of Uncertain Significance. This sequence change replaces glutamine, which is neutral and polar, with arginine, which is basic and polar, at codon 2637 of the HMCN1 protein (p.Gln2637Arg). This variant is present in population databases (rs760728428, gnomAD 0.008%).